The following is an entry in ClinVar:

NM_138694.4(PKHD1):c.8782A>T (p.Lys2928Ter)

Gene: PKHD1 (PKHD1 ciliary IPT domain containing fibrocystin/polyductin; minus strand). Cytogenetic location: 6p12.3.
Variant type: single nucleotide variant.
Coding change: c.8782A>T on transcript NM_138694.4 (MANE Select); coding-DNA position 8782, A replaced by T.
Protein change: p.Lys2928Ter; replaces lysine 2928 with a stop codon.
Molecular consequence: nonsense.
Genome position (GRCh38, 1-based): chr6:51,754,799, T>A on the plus strand (A>T on the coding strand, the complement: PKHD1 is on the minus strand). VCF-style: chr6-51754799-T-A. GRCh37 (hg19) VCF-style: chr6-51619597-T-A.
Other names: c.8782A>T, p.Lys2928Ter (NM_170724.3); short protein forms K2928*.
Identifiers: ClinVar variation 1453249 (VCV001453249.6), dbSNP rs2151020303, ClinGen allele CA364427930.
Genomic context (GRCh38, chr6:51,754,799, plus strand): 5'-TTCCTAGCTCATTCACTTACCTTAACCAACAAACCAAAGCCTTACCAATATGCCGGTGTT[T>A]GAGCCGTTCATAGATCCTCACATGGTGGCCCTTGACTTCTTTCACAGTGAGGACCTCTGC-3'

ClinVar aggregate classification (germline): Pathogenic (1 of 4 stars; one submission).

Conditions:
Autosomal recessive polycystic kidney disease (ARPKD). Also called: AR polycystic kidney disease. Identifiers: Orphanet 731, Orphanet 8378, MedGen C0085548, MeSH D017044, MONDO:0009889.

gnomAD v4.1: 1 of 1,613,666 alleles (0.000062%); highest among the groups gnomAD compares: Non-Finnish European, 0.000085%; no homozygotes.

Submission:

Labcorp Genetics (formerly Invitae), Labcorp
Classification: Pathogenic for Autosomal recessive polycystic kidney disease. Last evaluated: 2021-10-18. Review status: criteria provided, single submitter. Criteria: Invitae Variant Classification Sherloc (09022015). Collection method: clinical testing. Allele origin: germline.
Comment: This variant has not been reported in the literature in individuals affected with PKHD1-related conditions. This variant is not present in population databases (ExAC no frequency). This sequence change creates a premature translational stop signal (p.Lys2928*) in the PKHD1 gene. It is expected to result in an absent or disrupted protein product. Loss-of-function variants in PKHD1 are known to be pathogenic (PMID: 19940839). For these reasons, this variant has been classified as Pathogenic.

Literature cited by the submitters: PubMed 19940839.